The following is an entry in ClinVar:

NM_000038.6(APC):c.6083G>T (p.Ser2028Ile)

Gene: APC (APC regulator of WNT signaling pathway; plus strand). Cytogenetic location: 5q22.2.
Variant type: single nucleotide variant.
Coding change: c.6083G>T on transcript NM_000038.6 (MANE Select); coding-DNA position 6083, G replaced by T.
Protein change: p.Ser2028Ile; replaces serine 2028 with isoleucine.
Molecular consequence: missense variant. On other transcripts: non-coding transcript variant (2).
Genome position (GRCh38, 1-based): chr5:112,841,677, G>T. VCF-style: chr5-112841677-G-T. GRCh37 (hg19) VCF-style: chr5-112177374-G-T.
Other names: c.6083G>T, p.Ser2028Ile (NM_001127510.3, NM_001354895.2, NM_001407450.1); c.6029G>T, p.Ser2010Ile (NM_001127511.3); c.6137G>T, p.Ser2046Ile (NM_001354896.2, NM_001407447.1, NM_001407448.1 and 1 more transcripts); c.6113G>T, p.Ser2038Ile (NM_001354897.2); c.6008G>T, p.Ser2003Ile (NM_001354898.2); c.5999G>T, p.Ser2000Ile (NM_001354899.2); c.5960G>T, p.Ser1987Ile (NM_001354900.2); c.5906G>T, p.Ser1969Ile (NM_001354901.2, NM_001407453.1); and 11 more; short protein forms S1644I, S1745I, S1868I, S1899I, S1902I, S1927I, S1937I, S1945I.
Identifiers: ClinVar variation 3072303 (VCV003072303.1), dbSNP rs1766129324, ClinGen allele CA16034647.

ClinVar aggregate classification (germline): Uncertain significance (1 of 4 stars; one submission).

Conditions:
Classic or attenuated familial adenomatous polyposis. Identifiers: MedGen CN372698, MONDO:0021057.

Submission:

All of Us Research Program, National Institutes of Health
Classification: Uncertain significance for Classic or attenuated familial adenomatous polyposis. Last evaluated: 2023-07-10. Review status: criteria provided, single submitter. Criteria: ACMG Guidelines, 2015. Collection method: clinical testing. Allele origin: germline. Inheritance: Autosomal dominant inheritance. Observed: 1 variant allele, 1 heterozygote.
Comment: This missense variant replaces serine with isoleucine at codon 2028 of the APC protein. Computational prediction is inconclusive regarding the impact of this variant on protein structure and function (internally defined REVEL score threshold 0.5 < inconclusive < 0.7, PMID: 27666373). To our knowledge, functional studies have not been reported for this variant. This variant has not been reported in individuals affected with APC-related disorders in the literature. This variant has not been identified in the general population by the Genome Aggregation Database (gnomAD). The available evidence is insufficient to determine the role of this variant in disease conclusively. Therefore, this variant is classified as a Variant of Uncertain Significance.

This study involves interpretation of variants in research participants for the purpose of population health screening. Participant phenotype was not available at the time of variant classification. Additional details can be found in publication PMID: 35346344, PMCID: PMC8962531